The following is an entry in ClinVar:

ClinVar aggregate classification (germline): Uncertain significance (1 of 4 stars; one submission).

Conditions:
Cardiomyopathy (CMYO). Also called: Cardiomyopathies. Identifiers: Orphanet 167848, MedGen C0878544, MONDO:0004994, HP:0001638. Inheritance: Various modes of inheritance.

Submission:

Color Diagnostics, LLC DBA Color Health
Classification: Uncertain significance for Cardiomyopathy. Last evaluated: 2025-06-29. Review status: criteria provided, single submitter. Criteria: ACMG Guidelines, 2015. Collection method: clinical testing. Allele origin: germline.
Comment: This missense variant replaces glycine with arginine at codon 46 of the MYBPC3 protein. Computational prediction suggests that this variant may not impact protein structure and function. To our knowledge, functional studies have not been reported for this variant. This variant has not been reported in individuals affected with MYBPC3-related disorders in the literature. This variant has not been identified in the general population by the Genome Aggregation Database (gnomAD). The available evidence is insufficient to determine the role of this variant in disease conclusively. Therefore, this variant is classified as a Variant of Uncertain Significance.

NM_000256.3(MYBPC3):c.136G>C (p.Gly46Arg)

Gene: MYBPC3 (myosin binding protein C3; minus strand). Cytogenetic location: 11p11.2.
Variant type: single nucleotide variant.
Coding change: c.136G>C on transcript NM_000256.3 (MANE Select); coding-DNA position 136, G replaced by C.
Protein change: p.Gly46Arg; replaces glycine 46 with arginine.
Molecular consequence: missense variant.
Genome position (GRCh38, 1-based): chr11:47,351,395, C>G on the plus strand (G>C on the coding strand, the complement: MYBPC3 is on the minus strand). VCF-style: chr11-47351395-C-G. GRCh37 (hg19) VCF-style: chr11-47372946-C-G.
Other names: short protein forms G46R.
Identifiers: ClinVar variation 4756892 (VCV004756892.1).
Genomic context (GRCh38, chr11:47,351,395, plus strand): 5'-GCGTATGCCGTGTGCCCTCTGTGGCCAGGCCGTACTTGTTGCTGGCGCTGATGTCACTGC[C>G]TCCGCGCTGCCAGCGCACCTTCACTCCTGCCCGCTCTGTCTCGGCCTCGAACACGGCAGG-3'
Protein context (NP_000247.2, residues 36-56): AGVKVRWQRG[Gly46Arg]SDISASNKYG